The following is an entry in ClinVar:

ClinVar aggregate classification (germline): Conflicting classifications of pathogenicity. Review status: criteria provided, conflicting classifications (1 of 4 stars). 2 submissions from 2 submitters: Uncertain significance (1); Likely benign (1). Last evaluated 2025-12-24.

Conditions:
Hereditary cancer-predisposing syndrome. Also called: Neoplastic Syndromes, Hereditary; Hereditary neoplastic syndrome; Hereditary Cancer Syndrome; Tumor predisposition. Identifiers: Orphanet 140162, MedGen C0027672, MeSH D009386, MONDO:0015356.
Gastrointestinal stromal tumor. Also called: Gastrointestinal stromal tumor, somatic; Gastrointestinal stroma tumor. Identifiers: Orphanet 44890, MedGen C0238198, MeSH D046152, MONDO:0011719, OMIM 606764, HP:0100723.

Allele frequency attached by ClinVar (database versions not stated): gnomAD exomes below 0.00001; ExAC 0.00001; gnomAD 0.00001; TOPMed 0.00002.
gnomAD v4.1: 4 of 1,613,842 alleles (0.00025%); highest among the groups gnomAD compares: Middle Eastern, 0.016%; no homozygotes.

Submissions (2):

Labcorp Genetics (formerly Invitae), Labcorp
Classification: Uncertain significance for Gastrointestinal stromal tumor. Last evaluated: 2025-12-24. Review status: criteria provided, single submitter. Criteria: Invitae Variant Classification Sherloc (09022015). Collection method: clinical testing. Allele origin: germline.
Comment: This sequence change replaces threonine, which is neutral and polar, with serine, which is neutral and polar, at codon 428 of the PDGFRA protein (p.Thr428Ser). This variant is present in population databases (rs762651640, gnomAD 0.002%). This missense change has been observed in individual(s) with prostate cancer (PMID: 35957908). ClinVar contains an entry for this variant (Variation ID: 240300). An algorithm developed to predict the effect of missense changes on protein structure and function outputs the following: PolyPhen-2: "Benign". The serine amino acid residue is found in multiple mammalian species, which suggests that this missense change does not adversely affect protein function. In summary, the available evidence is currently insufficient to determine the role of this variant in disease. Therefore, it has been classified as a Variant of Uncertain Significance.

Ambry Genetics
Classification: Likely benign for Hereditary cancer-predisposing syndrome. Last evaluated: 2024-03-28. Review status: criteria provided, single submitter. Criteria: Ambry Variant Classification Scheme 2023. Collection method: clinical testing. Allele origin: germline.

Literature cited by the submitters: PubMed 35957908 (cited by Labcorp Genetics (formerly Invitae), Labcorp).

NM_006206.6(PDGFRA):c.1283C>G (p.Thr428Ser)

Gene: PDGFRA (platelet derived growth factor receptor alpha; plus strand). Cytogenetic location: 4q12.
Variant type: single nucleotide variant.
Coding change: c.1283C>G on transcript NM_006206.6 (MANE Select); coding-DNA position 1283, C replaced by G.
Protein change: p.Thr428Ser; replaces threonine 428 with serine.
Molecular consequence: missense variant.
Genome position (GRCh38, 1-based): chr4:54,272,439, C>G. VCF-style: chr4-54272439-C-G. GRCh37 (hg19) VCF-style: chr4-55138606-C-G.
Other names: c.1283C>G, p.Thr428Ser (NM_001347827.2, NM_001347829.2); c.1358C>G, p.Thr453Ser (NM_001347828.2); c.1322C>G, p.Thr441Ser (NM_001347830.2); short protein forms T428S, T441S, T453S.
Identifiers: ClinVar variation 240300 (VCV000240300.12), dbSNP rs762651640, ClinGen allele CA2922512.
Genomic context (GRCh38, chr4:54,272,439, plus strand): 5'-TTCTGCCTCTTGCAGTTCCTTCATCCATTCTGGACTTGGTCGATGATCACCATGGCTCAA[C>G]TGGGGGACAGACGGTGAGGTGCACAGCTGAAGGCACGCCGCTTCCTGATATTGAGTGGAT-3'
Protein context (NP_006197.1, residues 418-438): LDLVDDHHGS[Thr428Ser]GGQTVRCTAE